The following is an entry in ClinVar:

NC_000011.9:g.(?_78147716)_(78154824_?)dup

Gene: NARS2 (asparaginyl-tRNA synthetase 2, mitochondrial; minus strand). Cytogenetic location: 11q14.1.
Variant type: Duplication.
Identifiers: ClinVar variation 3244786 (VCV003244786.1).

ClinVar aggregate classification (germline): Uncertain significance (1 of 4 stars; one submission).

Submission:

Labcorp Genetics (formerly Invitae), Labcorp
Classification: Uncertain significance. Last evaluated: 2024-01-01. Review status: criteria provided, single submitter. Criteria: Invitae Variant Classification Sherloc (09022015). Collection method: clinical testing. Allele origin: unknown.
Comment: This variant results in a copy number gain of the genomic region encompassing exon(s) 12-14 of the NARS2 gene. This region includes the termination codon of the gene. This copy number gain extends beyond the assayed region for this gene and therefore may encompass additional genes. As the precise location of this event is unknown, it may be in tandem or it may be located elsewhere in the genome. This variant has not been reported in the literature in individuals affected with NARS2-related conditions. In summary, the available evidence is currently insufficient to determine the role of this variant in disease. Therefore, it has been classified as a Variant of Uncertain Significance.